The following is an entry in ClinVar:

ClinVar aggregate classification (germline): Likely pathogenic (1 of 4 stars; one submission).

Conditions:
3-Methylglutaconic aciduria type 2 (BTHS). Also called: Barth syndrome; CARDIOSKELETAL MYOPATHY WITH NEUTROPENIA AND ABNORMAL MITOCHONDRIA. Identifiers: Orphanet 111, MedGen C0574083, MONDO:0010543, OMIM 302060.

Submission:

Labcorp Genetics (formerly Invitae), Labcorp
Classification: Likely pathogenic for 3-Methylglutaconic aciduria type 2. Last evaluated: 2023-12-21. Review status: criteria provided, single submitter. Criteria: Invitae Variant Classification Sherloc (09022015). Collection method: clinical testing. Allele origin: germline.
Comment: This variant results in the deletion of part of exon 2 (c.236_238+5del) of the TAZ gene. It is expected to disrupt RNA splicing. Variants that disrupt the donor or acceptor splice site typically lead to a loss of protein function (PMID: 16199547), and loss-of-function variants in TAZ are known to be pathogenic (PMID: 16427346, 22382802, 23409742). This variant is not present in population databases (gnomAD no frequency). This variant has not been reported in the literature in individuals affected with TAZ-related conditions. ClinVar contains an entry for this variant (Variation ID: 842542). In summary, the currently available evidence indicates that the variant is pathogenic, but additional data are needed to prove that conclusively. Therefore, this variant has been classified as Likely Pathogenic.

Literature cited by the submitters: PubMed 16199547; PubMed 16427346; PubMed 22382802; PubMed 23409742.

NM_000116.5(TAFAZZIN):c.236_238+5del

Gene: TAFAZZIN (tafazzin, phospholipid-lysophospholipid transacylase; plus strand). Cytogenetic location: Xq28.
Variant type: Deletion.
Coding change: c.236_238+5del on transcript NM_000116.5 (MANE Select); coding-DNA position 236 through 5 bases into the intron after coding-DNA position 238, 8 bases deleted (GGGGTACC; older notation c.236_238+5delGGGGTACC).
Molecular consequence: splice donor variant.
Genome position (GRCh38, 1-based): chrX:154,412,212-154,412,219, GGGGTACC deleted. VCF-style (leftmost placement, unchanged base first): chrX-154412211-TGGGGTACC-T. GRCh37 (hg19) VCF-style: chrX-153640548-TGGGGTACC-T.
Other names: c.290_292+5del (NM_001303465.2); c.236_238+5del (NM_181312.4, NM_181311.4, NM_181313.4).
Identifiers: ClinVar variation 842542 (VCV000842542.6), dbSNP rs2068331233, ClinGen allele CA916084021.
Genomic context (GRCh38, chrX:154,412,211, plus strand): 5'-CCGGCCACGCCCCTCATCACCGTGTCCAATCACCAGTCCTGCATGGACGACCCTCATCTC[TGGGGTACC>T]CGGGCCAGTGTGCTGGGCAGGGGGAGGAAAGGCGAGGATTCGGGACGGGCCCAGCCTCGT-3'